The following is an entry in ClinVar:

ClinVar aggregate classification (germline): Benign/Likely benign. Review status: criteria provided, multiple submitters, no conflicts (2 of 4 stars). 4 submissions from 4 submitters: Benign (1); Likely benign (3). Last evaluated 2025-05-30.

Conditions:
TSC2-related disorder. Also called: TSC2-related condition; TSC2-Related Disorders.
Hereditary cancer-predisposing syndrome. Also called: Neoplastic Syndromes, Hereditary; Hereditary neoplastic syndrome; Hereditary Cancer Syndrome; Tumor predisposition. Identifiers: Orphanet 140162, MedGen C0027672, MeSH D009386, MONDO:0015356.
Tuberous sclerosis 2 (TSC2). Identifiers: Orphanet 805, MedGen C1860707, MONDO:0013199, OMIM 613254.

gnomAD v4.1: 4 of 1,612,790 alleles (0.00025%); highest among the groups gnomAD compares: East Asian, 0.0045%; no homozygotes.

Submissions (4):

Myriad Genetics, Inc.
Classification: Benign for Tuberous sclerosis 2. Last evaluated: 2025-05-30. Review status: criteria provided, single submitter. Criteria: Myriad Autosomal Dominant, Autosomal Recessive and X-Linked Classification Criteria (2023). Collection method: clinical testing. Allele origin: unknown.
Comment: This variant is considered benign. This variant is a silent/synonymous amino acid change and it is not expected to impact splicing.

PreventionGenetics, part of Exact Sciences
Classification: Likely benign for TSC2-related condition. Last evaluated: 2025-03-20. Review status: criteria provided, single submitter. Criteria: ACMG Guidelines, 2015. Collection method: clinical testing. Allele origin: germline.
Comment: This variant is classified as likely benign based on ACMG/AMP sequence variant interpretation guidelines (Richards et al. 2015 PMID: 25741868, with internal and published modifications).

Ambry Genetics
Classification: Likely benign for Hereditary cancer-predisposing syndrome. Last evaluated: 2024-02-16. Review status: criteria provided, single submitter. Criteria: Ambry Variant Classification Scheme 2023. Collection method: clinical testing. Allele origin: germline.

Labcorp Genetics (formerly Invitae), Labcorp
Classification: Likely benign for Tuberous sclerosis 2. Last evaluated: 2024-01-21. Review status: criteria provided, single submitter. Criteria: Invitae Variant Classification Sherloc (09022015). Collection method: clinical testing. Allele origin: germline.

NM_000548.5(TSC2):c.3645G>T (p.Pro1215=)

Gene: TSC2 (TSC complex subunit 2; plus strand). Cytogenetic location: 16p13.3.
Variant type: single nucleotide variant.
Coding change: c.3645G>T on transcript NM_000548.5 (MANE Select); coding-DNA position 3645, G replaced by T.
Protein change: p.Pro1215=; no amino-acid change (proline 1215 retained).
Molecular consequence: synonymous variant.
Genome position (GRCh38, 1-based): chr16:2,081,629, G>T. VCF-style: chr16-2081629-G-T. GRCh37 (hg19) VCF-style: chr16-2131630-G-T.
Other names: c.3645G>T (NM_000548.4); c.3513G>T, p.Pro1171= (NM_001077183.3, NM_001370404.1); c.3645G>T, p.Pro1215= (NM_001114382.3); c.3405G>T, p.Pro1135= (NM_001318827.2); c.3369G>T, p.Pro1123= (NM_001318829.2); c.2913G>T, p.Pro971= (NM_001318831.2); c.3546G>T, p.Pro1182= (NM_001318832.2); c.3516G>T, p.Pro1172= (NM_001363528.2, NM_001370405.1, NM_021055.3).
Identifiers: ClinVar variation 238024 (VCV000238024.13), dbSNP rs758114962, ClinGen allele CA10583322.
Genomic context (GRCh38, chr16:2,081,629, plus strand): 5'-GGCCAAAGGTGCTGCCGCCTCCGCAGGGAACACCAGCTGGCTGATGAGCCTGGAGAACCC[G>T]CTCAGCCCTTTCTCCTCGGACATCAACAACATGCCCCTGCAGGAGCTGTCTAACGCCCTC-3'
Protein context (NP_000539.2, residues 1205-1225): NTSWLMSLEN[Pro1215=]LSPFSSDINN